The following is an entry in ClinVar:

ClinVar aggregate classification (germline): Likely benign (0 of 4 stars; one submission).

Conditions:
HSD3B7-related disorder. Also called: HSD3B7-related condition.

Submission:

PreventionGenetics, part of Exact Sciences
Classification: Likely benign for HSD3B7-related condition. Last evaluated: 2019-06-17. Review status: no assertion criteria provided. Collection method: clinical testing. Allele origin: germline.
Comment: This variant is classified as likely benign based on ACMG/AMP sequence variant interpretation guidelines (Richards et al. 2015 PMID: 25741868, with internal and published modifications).

NM_025193.4(HSD3B7):c.990C>T (p.Thr330=)

Gene: HSD3B7 (hydroxy-delta-5-steroid dehydrogenase, 3 beta- and steroid delta-isomerase 7; plus strand). Cytogenetic location: 16p11.2.
Variant type: single nucleotide variant.
Coding change: c.990C>T on transcript NM_025193.4 (MANE Select); coding-DNA position 990, C replaced by T.
Protein change: p.Thr330=; no amino-acid change (threonine 330 retained).
Molecular consequence: synonymous variant. On other transcripts: 3 prime UTR variant (2).
Genome position (GRCh38, 1-based): chr16:30,988,063, C>T. VCF-style: chr16-30988063-C-T. GRCh37 (hg19) VCF-style: chr16-30999384-C-T.
Other names: c.*236C>T (NM_001142777.2, NM_001142778.2).
Identifiers: ClinVar variation 3034259 (VCV003034259.2), dbSNP rs1350273791, ClinGen allele CA494688624.
Genomic context (GRCh38, chr16:30,988,063, plus strand): 5'-GCCACTGGTGCTCTACGCACCCCTGCTGAACCCCTACACGCTGGCCGTGGCCAACACCAC[C>T]TTCACCGTCAGCACCGACAAGGCTCAGCGCCATTTCGGCTATGAGCCCCTGTTCTCGTGG-3'
Protein context (NP_079469.2, residues 320-340): NPYTLAVANT[Thr330=]FTVSTDKAQR